The following is an entry in ClinVar:

ClinVar aggregate classification (germline): Uncertain significance (1 of 4 stars; one submission).

Submission:

Dasa
Classification: Uncertain significance. Last evaluated: 2024-10-13. Review status: criteria provided, single submitter. Criteria: DASA Assertion Criteria. Collection method: clinical testing. Allele origin: germline.
Comment: NM_031407.7(HUWE1):c.6926_6928delinsGTGACATCTGAGTG (p.Thr2309Serfs*4) is a frameshift variant in HUWE1 predicted to alter the reading frame and introduce a premature termination codon. This variant is absent from population databases. The currently available literature and clinical evidence are not sufficient to establish a definitive association between this variant and the reported condition. Therefore, this variant is classified as a variant of uncertain significance.

NM_031407.7(HUWE1):c.6926_6928delinsGTGACATCTGAGTG (p.Thr2309_Gln2310delinsSerAspIleTer)

Gene: HUWE1 (HECT, UBA and WWE domain containing E3 ubiquitin protein ligase 1; minus strand). Cytogenetic location: Xp11.22.
Variant type: Indel.
Coding change: c.6926_6928delinsGTGACATCTGAGTG on transcript NM_031407.7 (MANE Select); coding-DNA positions 6926 to 6928, CTC replaced by GTGACATCTGAGTG.
Protein change: p.Thr2309_Gln2310delinsSerAspIleTer.
Molecular consequence: nonsense.
Genome position (GRCh38, 1-based): chrX:53,564,675-53,564,677, GAG replaced by CACTCAGATGTCAC on the plus strand (CTC replaced by GTGACATCTGAGTG on the coding strand, the reverse complement: HUWE1 is on the minus strand). VCF-style: chrX-53564675-GAG-CACTCAGATGTCAC. GRCh37 (hg19) VCF-style: chrX-53591636-GAG-CACTCAGATGTCAC.
Other names: c.6923_6925delinsGTGACATCTGAGTG, p.Thr2308_Gln2309delinsSerAspIleTer (NM_001441048.1, NM_001441051.1, NM_001441053.1 and 2 more transcripts); c.6926_6928delinsGTGACATCTGAGTG, p.Thr2309_Gln2310delinsSerAspIleTer (NM_001441049.1, NM_001441052.1, NM_001441054.1 and 1 more transcripts); c.6947_6949delinsGTGACATCTGAGTG, p.Thr2316_Gln2317delinsSerAspIleTer (NM_001441050.1, NM_001441055.1).
Identifiers: ClinVar variation 4886369 (VCV004886369.2).